The following is an entry in ClinVar:

ClinVar aggregate classification (germline): Likely benign. Review status: criteria provided, multiple submitters, no conflicts (2 of 4 stars). 3 submissions from 3 submitters: Likely benign (3). Last evaluated 2025-04-08.

Conditions:
Cardiovascular phenotype. Identifiers: MedGen CN230736.
Glycogen storage disease, type II (IOPD). Also called: CARDIOMEGALIA GLYCOGENICA DIFFUSA; ACID ALPHA-GLUCOSIDASE DEFICIENCY, INFANTILE-ONSET; GAA DEFICIENCY, INFANTILE-ONSET; ACID MALTASE DEFICIENCY, INFANTILE-ONSET; Glucosidase acid-1,4-alpha deficiency; Pompe Disease. Identifiers: Orphanet 365, MedGen C0017921, MONDO:0009290, OMIM 232300.

Allele frequency attached by ClinVar (database versions not stated): gnomAD exomes below 0.00001; gnomAD 0.00001; TOPMed 0.00001.
gnomAD v4.1: 40 of 1,613,880 alleles (0.0025%); highest among the groups gnomAD compares: East Asian, 0.0045%; no homozygotes.

Submissions (3):

Labcorp Genetics (formerly Invitae), Labcorp
Classification: Likely benign for Glycogen storage disease, type II. Last evaluated: 2025-04-08. Review status: criteria provided, single submitter. Criteria: Invitae Variant Classification Sherloc (09022015). Collection method: clinical testing. Allele origin: germline.

Ambry Genetics
Classification: Likely benign for Cardiovascular phenotype. Last evaluated: 2023-07-01. Review status: criteria provided, single submitter. Criteria: Ambry Variant Classification Scheme 2023. Collection method: clinical testing. Allele origin: germline.

GeneDx
Classification: Likely benign. Last evaluated: 2018-01-02. Review status: criteria provided, single submitter. Criteria: GeneDx Variant Classification (06012015). Collection method: clinical testing. Allele origin: germline. Affected: yes.
Comment: This variant is considered likely benign or benign based on one or more of the following criteria: it is a conservative change, it occurs at a poorly conserved position in the protein, it is predicted to be benign by multiple in silico algorithms, and/or has population frequency not consistent with disease.

NM_000152.5(GAA):c.2820G>A (p.Ser940=)

Gene: GAA (alpha glucosidase; plus strand). Cytogenetic location: 17q25.3.
Variant type: single nucleotide variant.
Coding change: c.2820G>A on transcript NM_000152.5 (MANE Select); coding-DNA position 2820, G replaced by A.
Protein change: p.Ser940=; no amino-acid change (serine 940 retained).
Molecular consequence: synonymous variant.
Genome position (GRCh38, 1-based): chr17:80,119,292, G>A. VCF-style: chr17-80119292-G-A. GRCh37 (hg19) VCF-style: chr17-78093091-G-A.
Other names: c.2820G>A (LRG_673t1); c.2820G>A, p.Ser940= (NM_001079803.3, NM_001079804.3).
Identifiers: ClinVar variation 514361 (VCV000514361.12), dbSNP rs992579033, ClinGen allele CA294859397.